The following is an entry in ClinVar:

NM_001289104.2(PRKCSH):c.713C>T (p.Pro238Leu)

Gene: PRKCSH (PRKCSH beta subunit of glucosidase II; plus strand). Cytogenetic location: 19p13.2.
Variant type: single nucleotide variant.
Coding change: c.713C>T on transcript NM_001289104.2 (MANE Select); coding-DNA position 713, C replaced by T.
Protein change: p.Pro238Leu; replaces proline 238 with leucine.
Molecular consequence: missense variant.
Genome position (GRCh38, 1-based): chr19:11,446,301, C>T. VCF-style: chr19-11446301-C-T. GRCh37 (hg19) VCF-style: chr19-11557116-C-T.
Other names: c.713C>T, p.Pro238Leu (NM_001001329.3, NM_001289102.2, NM_001289103.2 and 3 more transcripts); c.713C>T (NM_002743.2); short protein forms P238L.
Identifiers: ClinVar variation 2188841 (VCV002188841.5), dbSNP rs145768193, ClinGen allele CA9212953.

ClinVar aggregate classification (germline): Uncertain significance. Review status: criteria provided, multiple submitters, no conflicts (2 of 4 stars). 2 submissions from 2 submitters: Uncertain significance (2). Last evaluated 2025-08-15.

Conditions:
Inborn genetic diseases. Identifiers: MedGen C0950123, MeSH D030342.

Allele frequency attached by ClinVar (database versions not stated): ExAC 0.00003; gnomAD 0.00007; ESP Exome Variant Server 0.00015.

Submissions (2):

Labcorp Genetics (formerly Invitae), Labcorp
Classification: Uncertain significance. Last evaluated: 2025-08-15. Review status: criteria provided, single submitter. Criteria: Invitae Variant Classification Sherloc (09022015). Collection method: clinical testing. Allele origin: germline.
Comment: This sequence change replaces proline, which is neutral and non-polar, with leucine, which is neutral and non-polar, at codon 238 of the PRKCSH protein (p.Pro238Leu). This variant is present in population databases (rs145768193, gnomAD 0.007%). This variant has not been reported in the literature in individuals affected with PRKCSH-related conditions. ClinVar contains an entry for this variant (Variation ID: 2188841). An algorithm developed to predict the effect of missense changes on protein structure and function outputs the following: PolyPhen-2: "Benign". The leucine amino acid residue is found in multiple mammalian species, which suggests that this missense change does not adversely affect protein function. In summary, the available evidence is currently insufficient to determine the role of this variant in disease. Therefore, it has been classified as a Variant of Uncertain Significance.

Ambry Genetics
Classification: Uncertain significance for Inborn genetic diseases. Last evaluated: 2022-10-06. Review status: criteria provided, single submitter. Criteria: Ambry Variant Classification Scheme 2023. Collection method: clinical testing. Allele origin: germline.